The following is an entry in ClinVar:

NM_004035.7(ACOX1):c.94C>T (p.Arg32Cys)

Gene: ACOX1 (acyl-CoA oxidase 1; minus strand). Cytogenetic location: 17q25.1.
Variant type: single nucleotide variant.
Coding change: c.94C>T on transcript NM_004035.7 (MANE Select); coding-DNA position 94, C replaced by T.
Protein change: p.Arg32Cys; replaces arginine 32 with cysteine.
Molecular consequence: missense variant. On other transcripts: 5 prime UTR variant (1).
Genome position (GRCh38, 1-based): chr17:75,978,980, G>A on the plus strand (C>T on the coding strand, the complement: ACOX1 is on the minus strand). VCF-style: chr17-75978980-G-A. GRCh37 (hg19) VCF-style: chr17-73975061-G-A.
Other names: c.-195C>T (NM_001185039.2); c.94C>T, p.Arg32Cys (NM_007292.6); short protein forms R32C.
Identifiers: ClinVar variation 4773976 (VCV004773976.1).

ClinVar aggregate classification (germline): Uncertain significance (1 of 4 stars; one submission).

Conditions:
Acyl-CoA oxidase deficiency. Also called: STRAIGHT-CHAIN ACYL-CoA OXIDASE DEFICIENCY; Pseudoneonatal adrenoleukodystrophy; Peroxisomal acyl-CoA oxidase deficiency. Identifiers: Orphanet 2971, MedGen C1849678, MONDO:0009919, OMIM 264470. Disease mechanism: loss of function.

Submission:

Labcorp Genetics (formerly Invitae), Labcorp
Classification: Uncertain significance for Acyl-CoA oxidase deficiency. Last evaluated: 2025-02-25. Review status: criteria provided, single submitter. Criteria: Invitae Variant Classification Sherloc (09022015). Collection method: clinical testing. Allele origin: germline.
Comment: This sequence change replaces arginine, which is basic and polar, with cysteine, which is neutral and slightly polar, at codon 32 of the ACOX1 protein (p.Arg32Cys). The frequency data for this variant in the population databases is considered unreliable, as metrics indicate poor data quality at this position in the gnomAD database. This variant has not been reported in the literature in individuals affected with ACOX1-related conditions. Invitae Evidence Modeling of protein sequence and biophysical properties (such as structural, functional, and spatial information, amino acid conservation, physicochemical variation, residue mobility, and thermodynamic stability) has been performed for this missense variant. However, the output from this modeling did not meet the statistical confidence thresholds required to predict the impact of this variant on ACOX1 protein function. In summary, the available evidence is currently insufficient to determine the role of this variant in disease. Therefore, it has been classified as a Variant of Uncertain Significance.